The following is an entry in ClinVar:

NM_001042492.3(NF1):c.4174-1G>T

Gene: NF1 (neurofibromin 1; plus strand). Cytogenetic location: 17q11.2.
Variant type: single nucleotide variant.
Coding change: c.4174-1G>T on transcript NM_001042492.3 (MANE Select); the canonical splice acceptor site of the intron before coding-DNA position 4174, G replaced by T.
Molecular consequence: splice acceptor variant.
Genome position (GRCh38, 1-based): chr17:31,258,343, G>T. VCF-style: chr17-31258343-G-T. GRCh37 (hg19) VCF-style: chr17-29585361-G-T.
Other names: c.4111-1G>T (NM_000267.4).
Identifiers: ClinVar variation 2020325 (VCV002020325.4), dbSNP rs1555618492, ClinGen allele CA398997474.

ClinVar aggregate classification (germline): Pathogenic (1 of 4 stars; one submission).

Conditions:
Neurofibromatosis, type 1 (NF1). Also called: NEUROFIBROMATOSIS, TYPE I, SOMATIC; Neurofibromatosis, type I; Peripheral type neurofibromatosis; VON RECKLINGHAUSEN DISEASE. Identifiers: Orphanet 636, MedGen C0027831, MONDO:0018975, OMIM 162200. Disease mechanism: loss of function.

Submission:

Labcorp Genetics (formerly Invitae), Labcorp
Classification: Pathogenic for Neurofibromatosis, type 1. Last evaluated: 2022-07-29. Review status: criteria provided, single submitter. Criteria: Invitae Variant Classification Sherloc (09022015). Collection method: clinical testing. Allele origin: germline.
Comment: This sequence change affects an acceptor splice site in intron 30 of the NF1 gene. It is expected to disrupt RNA splicing. Variants that disrupt the donor or acceptor splice site typically lead to a loss of protein function (PMID: 16199547), and loss-of-function variants in NF1 are known to be pathogenic (PMID: 10712197, 23913538). This variant is not present in population databases (gnomAD no frequency). Disruption of this splice site has been observed in individual(s) with neurofibromatosis, type 1 (PMID: 16138229). Algorithms developed to predict the effect of sequence changes on RNA splicing suggest that this variant may disrupt the consensus splice site. For these reasons, this variant has been classified as Pathogenic.

Literature cited by the submitters: PubMed 16199547; PubMed 10712197; PubMed 23913538; PubMed 16138229.